The following is an entry in ClinVar:

NM_001199397.3(NEK1):c.966G>C (p.Lys322Asn)

Gene: NEK1 (NIMA related kinase 1; minus strand). Cytogenetic location: 4q33.
Variant type: single nucleotide variant.
Coding change: c.966G>C on transcript NM_001199397.3 (MANE Select); coding-DNA position 966, G replaced by C.
Protein change: p.Lys322Asn; replaces lysine 322 with asparagine.
Molecular consequence: missense variant. On other transcripts: non-coding transcript variant (2).
Genome position (GRCh38, 1-based): chr4:169,576,982, C>G on the plus strand (G>C on the coding strand, the complement: NEK1 is on the minus strand). VCF-style: chr4-169576982-C-G. GRCh37 (hg19) VCF-style: chr4-170498133-C-G.
Other names: c.966G>C, p.Lys322Asn (NM_001199398.3, NM_001199399.3, NM_001199400.3 and 7 more transcripts); short protein forms K322N.
Identifiers: ClinVar variation 1367066 (VCV001367066.8), dbSNP rs1419138752, ClinGen allele CA358736145.

ClinVar aggregate classification (germline): Uncertain significance (1 of 4 stars; one submission).

Conditions:
Short-rib thoracic dysplasia 6 with or without polydactyly (SRTD6). Also called: Majewski Syndrome; SHORT-RIB THORACIC DYSPLASIA 6 WITH POLYDACTYLY; SHORT-RIB THORACIC DYSPLASIA 6 WITHOUT POLYDACTYLY; SHORT RIB-POLYDACTYLY SYNDROME, TYPE IIA; POLYDACTYLY WITH NEONATAL CHONDRODYSTROPHY, TYPE II. Identifiers: MedGen C0024507, MONDO:0009894, OMIM 263520.

Allele frequency attached by ClinVar (database versions not stated): gnomAD exomes below 0.00001; TOPMed below 0.00001; gnomAD 0.00001.
gnomAD v4.1: 2 of 1,612,286 alleles (0.00012%); highest among the groups gnomAD compares: Non-Finnish European, 0.00017%; no homozygotes.

Submission:

Labcorp Genetics (formerly Invitae), Labcorp
Classification: Uncertain significance for Short-rib thoracic dysplasia 6 with or without polydactyly. Last evaluated: 2021-07-13. Review status: criteria provided, single submitter. Criteria: Invitae Variant Classification Sherloc (09022015). Collection method: clinical testing. Allele origin: germline.
Comment: This variant has not been reported in the literature in individuals affected with NEK1-related conditions. This sequence change replaces lysine with asparagine at codon 322 of the NEK1 protein (p.Lys322Asn). The lysine residue is highly conserved and there is a moderate physicochemical difference between lysine and asparagine. This variant is not present in population databases (ExAC no frequency). Advanced modeling of protein sequence and biophysical properties (such as structural, functional, and spatial information, amino acid conservation, physicochemical variation, residue mobility, and thermodynamic stability) performed at Invitae indicates that this missense variant is not expected to disrupt NEK1 protein function. In summary, the available evidence is currently insufficient to determine the role of this variant in disease. Therefore, it has been classified as a Variant of Uncertain Significance.